The following is an entry in ClinVar:

ClinVar aggregate classification (germline): Pathogenic/Likely pathogenic. Review status: criteria provided, multiple submitters, no conflicts (2 of 4 stars). 2 submissions from 2 submitters: Pathogenic (1); Likely pathogenic (1). Last evaluated 2022-10-12.

Conditions:
Developmental and epileptic encephalopathy, 53. Also called: Epileptic encephalopathy, early infantile, 53. Identifiers: MedGen C4479313, MONDO:0033362, OMIM 617389.
Early-onset Parkinson disease 20. Also called: PARKINSON DISEASE 20, AUTOSOMAL RECESSIVE EARLY-ONSET. Identifiers: Orphanet 391411, MedGen C3809824, MONDO:0014233, OMIM 615530.

Allele frequency attached by ClinVar (database versions not stated): gnomAD exomes below 0.00001.
gnomAD v4.1: 1 of 1,609,890 alleles (0.000062%); highest among the groups gnomAD compares: Non-Finnish European, 0.000085%; no homozygotes.

Submissions (2):

Labcorp Genetics (formerly Invitae), Labcorp
Classification: Pathogenic for Developmental and epileptic encephalopathy, 53; Early-onset Parkinson disease 20. Last evaluated: 2022-10-12. Review status: criteria provided, single submitter. Criteria: Invitae Variant Classification Sherloc (09022015). Collection method: clinical testing. Allele origin: germline.
Comment: For these reasons, this variant has been classified as Pathogenic. This variant has not been reported in the literature in individuals affected with SYNJ1-related conditions. This variant is not present in population databases (gnomAD no frequency). This sequence change creates a premature translational stop signal (p.Arg533*) in the SYNJ1 gene. It is expected to result in an absent or disrupted protein product. Loss-of-function variants in SYNJ1 are known to be pathogenic (PMID: 25316601, 27435091).

Juno Genomics, Hangzhou Juno Genomics, Inc
Classification: Likely pathogenic for Developmental and epileptic encephalopathy, 53; Early-onset Parkinson disease 20. Review status: criteria provided, single submitter. Criteria: ACMG Guidelines, 2015. Collection method: clinical testing. Allele origin: germline. Affected: yes.
Comment: Absent from controls (or at extremely low frequency if recessive) in Genome Aggregation Database.;Null variant in a gene where loss of function (LOF) is a known mechanism of disease.

Literature cited by the submitters: PubMed 25316601 (cited by Labcorp Genetics (formerly Invitae), Labcorp); PubMed 27435091 (cited by Labcorp Genetics (formerly Invitae), Labcorp).

NM_203446.3(SYNJ1):c.1480C>T (p.Arg494Ter)

Gene: SYNJ1 (synaptojanin 1; minus strand). Cytogenetic location: 21q22.11.
Variant type: single nucleotide variant.
Coding change: c.1480C>T on transcript NM_203446.3 (MANE Select); coding-DNA position 1480, C replaced by T.
Protein change: p.Arg494Ter; replaces arginine 494 with a stop codon.
Molecular consequence: nonsense.
Genome position (GRCh38, 1-based): chr21:32,678,675, G>A on the plus strand (C>T on the coding strand, the complement: SYNJ1 is on the minus strand). VCF-style: chr21-32678675-G-A. GRCh37 (hg19) VCF-style: chr21-34050985-G-A.
Other names: c.1480C>T, p.Arg494Ter (NM_001160302.2); c.1489C>T, p.Arg497Ter (NM_001160306.2); c.1597C>T, p.Arg533Ter (NM_003895.4); short protein forms R494*, R497*, R533*.
Identifiers: ClinVar variation 2936446 (VCV002936446.4), dbSNP rs2516694144, ClinGen allele CA410089088.